The following is an entry in ClinVar:

ClinVar aggregate classification (germline): Pathogenic. Review status: criteria provided, multiple submitters, no conflicts (2 of 4 stars). 2 submissions from 2 submitters: Pathogenic (2). Last evaluated 2025-01-23.

Conditions:
Cardiovascular phenotype. Identifiers: MedGen CN230736.
Arrhythmogenic right ventricular dysplasia 8 (ARVD8). Also called: Arrhythmogenic Right Ventricular Dysplasia/Cardiomyopathy 8; ARRHYTHMOGENIC RIGHT VENTRICULAR DYSPLASIA, FAMILIAL, 8; ARRHYTHMOGENIC RIGHT VENTRICULAR CARDIOMYOPATHY 8. Identifiers: MedGen C1843896, MONDO:0011831, OMIM 607450.
Arrhythmogenic cardiomyopathy with wooly hair and keratoderma. Also called: PALMOPLANTAR KERATODERMA WITH LEFT VENTRICULAR CARDIOMYOPATHY AND WOOLLY HAIR; Carvajal syndrome; Arrhythmogenic cardiomyopathy with woolly hair and keratoderma; Dilated cardiomyopathy with woolly hair and keratoderma. Identifiers: Orphanet 65282, MedGen C1854063, MONDO:0011581, OMIM 605676.

Allele frequency attached by ClinVar (database versions not stated): gnomAD exomes below 0.00001.
gnomAD v4.1: 1 of 1,614,164 alleles (0.000062%); no homozygotes.

Submissions (2):

Labcorp Genetics (formerly Invitae), Labcorp
Classification: Pathogenic for Arrhythmogenic cardiomyopathy with wooly hair and keratoderma; Arrhythmogenic right ventricular dysplasia 8. Last evaluated: 2025-01-23. Review status: criteria provided, single submitter. Criteria: Invitae Variant Classification Sherloc (09022015). Collection method: clinical testing. Allele origin: germline.
Comment: This sequence change creates a premature translational stop signal (p.Gln1071*) in the DSP gene. It is expected to result in an absent or disrupted protein product. Loss-of-function variants in DSP are known to be pathogenic (PMID: 20716751, 24503780, 25227139). This variant is not present in population databases (gnomAD no frequency). This premature translational stop signal has been observed in individual(s) with clinical features of DSP-related conditions (PMID: 32356610). ClinVar contains an entry for this variant (Variation ID: 2926508). For these reasons, this variant has been classified as Pathogenic.

Ambry Genetics
Classification: Pathogenic for Cardiovascular phenotype. Last evaluated: 2023-10-26. Review status: criteria provided, single submitter. Criteria: Ambry Variant Classification Scheme 2023. Collection method: clinical testing. Allele origin: germline.
Comment: The p.Q1071* pathogenic mutation (also known as c.3211C>T), located in coding exon 23 of the DSP gene, results from a C to T substitution at nucleotide position 3211. This changes the amino acid from a glutamine to a stop codon within coding exon 23. This variant has been detected in a proband diagnosed with myocarditis and nonsustained ventricular tachycardia (Piriou N et al. ESC Heart Fail, 2020 Aug;7:1520-1533). This alteration is expected to result in loss of function by premature protein truncation or nonsense-mediated mRNA decay. Alterations in DSP that result in haploinsufficiency or protein truncation have been reported in patients with arrhythmogenic right ventricular cardiomyopathy (ARVC) and dilated cardiomyopathy (DCM) (Fressart V et al. Europace. 2010;12(6):861-8; Elliott P et al. Circ Cardiovasc Genet. 2010;3(4):314-22; Quarta G et al. Circulation. 2011;123(23):2701-9; Garcia-Pavia P et al. Heart. 2011;97(21):1744-52; Rasmussen TB et al. Clin Genet. 2013;84(1):20-30; Pugh TJ et al. Genet Med. 2014;16(8):601-8). Based on the supporting evidence, this alteration is interpreted as a disease-causing mutation.

Literature cited by the submitters: PubMed 20716751 (cited by Labcorp Genetics (formerly Invitae), Labcorp); PubMed 24503780 (cited by Labcorp Genetics (formerly Invitae), Labcorp); PubMed 25227139 (cited by Labcorp Genetics (formerly Invitae), Labcorp); PubMed 32356610 (cited by Labcorp Genetics (formerly Invitae), Labcorp and Ambry Genetics).

NM_004415.4(DSP):c.3211C>T (p.Gln1071Ter)

Gene: DSP (desmoplakin; plus strand). Cytogenetic location: 6p24.3.
Variant type: single nucleotide variant.
Coding change: c.3211C>T on transcript NM_004415.4 (MANE Select); coding-DNA position 3211, C replaced by T.
Protein change: p.Gln1071Ter; replaces glutamine 1071 with a stop codon.
Molecular consequence: nonsense.
Genome position (GRCh38, 1-based): chr6:7,579,401, C>T. VCF-style: chr6-7579401-C-T. GRCh37 (hg19) VCF-style: chr6-7579634-C-T.
Other names: c.3211C>T, p.Gln1071Ter (NM_001008844.3, NM_001319034.2); short protein forms Q1071*.
Identifiers: ClinVar variation 2926508 (VCV002926508.4), dbSNP rs2533922607, ClinGen allele CA362683306.
Genomic context (GRCh38, chr6:7,579,401, plus strand): 5'-AACTGTAATAAGAACAAATTCCTGGATCAGAACCTGCAGAAATACCAGGCAGAGTGTTCC[C>T]AGTTCAAAGCGAAGCTTGCGAGCCTGGAGGAGCTGAAGAGACAGGCTGAGCTGGATGGGA-3'